The following is an entry in ClinVar:

NM_000810.4(GABRA5):c.474C>T (p.Asp158=)

Gene: GABRA5 (gamma-aminobutyric acid type A receptor subunit alpha5; plus strand). Cytogenetic location: 15q12.
Variant type: single nucleotide variant.
Coding change: c.474C>T on transcript NM_000810.4 (MANE Select); coding-DNA position 474, C replaced by T.
Protein change: p.Asp158=; no amino-acid change (aspartic acid 158 retained).
Molecular consequence: synonymous variant.
Genome position (GRCh38, 1-based): chr15:26,883,534, C>T. VCF-style: chr15-26883534-C-T. GRCh37 (hg19) VCF-style: chr15-27128681-C-T.
Other names: c.474C>T, p.Asp158= (NM_001165037.2).
Identifiers: ClinVar variation 2578727 (VCV002578727.25), dbSNP rs371590711, ClinGen allele CA7437807.
Genomic context (GRCh38, chr15:26,883,534, plus strand): 5'-GAAGAAGTCCATCGCTCACAACATGACCACGCCCAACAAGCTGCTGCGGCTGGAGGACGA[C>T]GGCACCCTGCTCTACACCATGCGGTGAGCGCCGGGCGGGGGCGGGCGGGGCCGGGGGACG-3'
Protein context (NP_000801.1, residues 148-168): TPNKLLRLED[Asp158=]GTLLYTMRLT

ClinVar aggregate classification (germline): Likely benign (1 of 4 stars; one submission).

Allele frequency attached by ClinVar (database versions not stated): ExAC 0.00007; ESP Exome Variant Server 0.00008; gnomAD 0.00008; TOPMed 0.00008.
gnomAD v4.1: 192 of 1,582,786 alleles (0.012%); highest among the groups gnomAD compares: Middle Eastern, 0.017%; no homozygotes.

Submission:

CeGaT Center for Human Genetics Tuebingen
Classification: Likely benign. Last evaluated: 2023-08-01. Review status: criteria provided, single submitter. Criteria: CeGaT Center For Human Genetics Tuebingen Variant Classification Criteria Version 2. Collection method: clinical testing. Allele origin: germline. Affected: yes. Observed: 1 variant allele.
Comment: GABRA5: BP4, BP7